The following is an entry in ClinVar:

ClinVar aggregate classification (germline): Uncertain significance (1 of 4 stars; one submission).

Allele frequency attached by ClinVar (database versions not stated): gnomAD exomes below 0.00001; TOPMed below 0.00001; gnomAD 0.00001.
gnomAD v4.1: 3 of 1,612,924 alleles (0.00019%); highest among the groups gnomAD compares: South Asian, 0.0011%; no homozygotes.

Submission:

Labcorp Genetics (formerly Invitae), Labcorp
Classification: Uncertain significance. Last evaluated: 2021-12-01. Review status: criteria provided, single submitter. Criteria: Invitae Variant Classification Sherloc (09022015). Collection method: clinical testing. Allele origin: germline.
Comment: This sequence change falls in intron 7 of the MDH2 gene. It does not directly change the encoded amino acid sequence of the MDH2 protein. This variant is present in population databases (no rsID available, gnomAD 0.003%). This variant has not been reported in the literature in individuals affected with MDH2-related conditions. Algorithms developed to predict the effect of sequence changes on RNA splicing suggest that this variant may disrupt the consensus splice site. In summary, the available evidence is currently insufficient to determine the role of this variant in disease. Therefore, it has been classified as a Variant of Uncertain Significance.

NM_005918.4(MDH2):c.734-6C>G

Gene: MDH2 (malate dehydrogenase 2; plus strand). Cytogenetic location: 7q11.23.
Variant type: single nucleotide variant.
Coding change: c.734-6C>G on transcript NM_005918.4 (MANE Select); 6 bases into the intron before coding-DNA position 734, C replaced by G.
Molecular consequence: intron variant.
Genome position (GRCh38, 1-based): chr7:76,064,796, C>G. VCF-style: chr7-76064796-C-G. GRCh37 (hg19) VCF-style: chr7-75694114-C-G.
Other names: c.608-6C>G (NM_001282403.2); c.413-6C>G (NM_001282404.2).
Identifiers: ClinVar variation 1395770 (VCV001395770.6), dbSNP rs1554587577, ClinGen allele CA575786509.
Genomic context (GRCh38, chr7:76,064,796, plus strand): 5'-GGGGCCGGCTCACCTGGGCGTCACGTTTGTGGCACCAGCCAGGCTGACCTGTCTGTGCCC[C>G]CCTAGGCTCTGCCACCCTCTCCATGGCGTATGCCGGCGCCCGCTTTGTCTTCTCCCTTGT-3'